The following is an entry in ClinVar:

NM_005915.6(MCM6):c.781+10C>T

Gene: MCM6 (minichromosome maintenance complex component 6; minus strand). Cytogenetic location: 2q21.3.
Variant type: single nucleotide variant.
Coding change: c.781+10C>T on transcript NM_005915.6 (MANE Select); 10 bases into the intron after coding-DNA position 781, C replaced by T.
Molecular consequence: intron variant.
Genome position (GRCh38, 1-based): chr2:135,866,553, G>A on the plus strand (C>T on the coding strand, the complement: MCM6 is on the minus strand). VCF-style: chr2-135866553-G-A. GRCh37 (hg19) VCF-style: chr2-136624123-G-A.
Identifiers: ClinVar variation 3060539 (VCV003060539.2), dbSNP rs2289049, ClinGen allele CA1889191.

ClinVar aggregate classification (germline): Benign (0 of 4 stars; one submission).

Conditions:
MCM6-related disorder. Also called: MCM6-related condition.

Allele frequency attached by ClinVar (database versions not stated): gnomAD exomes 0.01108; ExAC 0.03651; ESP Exome Variant Server 0.06543; gnomAD 0.06646; TOPMed 0.07816; 1000 Genomes Project 0.10284; 1000 Genomes Project 30x 0.10493.
gnomAD v4.1: 26,794 of 1,601,986 alleles (1.7%); highest among the groups gnomAD compares: African/African-American, 20%; 2,172 homozygotes.

Submission:

PreventionGenetics, part of Exact Sciences
Classification: Benign for MCM6-related condition. Last evaluated: 2019-12-18. Review status: no assertion criteria provided. Collection method: clinical testing. Allele origin: germline.
Comment: This variant is classified as benign based on ACMG/AMP sequence variant interpretation guidelines (Richards et al. 2015 PMID: 25741868, with internal and published modifications).